The following is an entry in ClinVar:

ClinVar aggregate classification (germline): Uncertain significance. Review status: criteria provided, multiple submitters, no conflicts (2 of 4 stars). 2 submissions from 2 submitters: Uncertain significance (2). Last evaluated 2024-05-18.

Conditions:
Inborn genetic diseases. Identifiers: MedGen C0950123, MeSH D030342.

Allele frequency attached by ClinVar (database versions not stated): gnomAD exomes below 0.00001; ExAC 0.00001.
gnomAD v4.1: 9 of 1,611,496 alleles (0.00056%); highest among the groups gnomAD compares: South Asian, 0.0044%; no homozygotes.

Submissions (2):

Ambry Genetics
Classification: Uncertain significance for Inborn genetic diseases. Last evaluated: 2024-05-18. Review status: criteria provided, single submitter. Criteria: Ambry Variant Classification Scheme 2023. Collection method: clinical testing. Allele origin: germline.
Comment: The p.T1469I variant (also known as c.4406C>T), located in coding exon 25 of the ATR gene, results from a C to T substitution at nucleotide position 4406. The threonine at codon 1469 is replaced by isoleucine, an amino acid with similar properties. This amino acid position is conserved. In addition, this alteration is predicted to be tolerated by in silico analysis. Based on the available evidence, the clinical significance of this variant remains unclear.

Labcorp Genetics (formerly Invitae), Labcorp
Classification: Uncertain significance. Last evaluated: 2023-12-02. Review status: criteria provided, single submitter. Criteria: Invitae Variant Classification Sherloc (09022015). Collection method: clinical testing. Allele origin: germline.
Comment: This sequence change replaces threonine, which is neutral and polar, with isoleucine, which is neutral and non-polar, at codon 1469 of the ATR protein (p.Thr1469Ile). This variant is present in population databases (rs747880325, gnomAD 0.006%). This variant has not been reported in the literature in individuals affected with ATR-related conditions. An algorithm developed to predict the effect of missense changes on protein structure and function (PolyPhen-2) suggests that this variant is likely to be tolerated. In summary, the available evidence is currently insufficient to determine the role of this variant in disease. Therefore, it has been classified as a Variant of Uncertain Significance.

NM_001184.4(ATR):c.4406C>T (p.Thr1469Ile)

Gene: ATR (ATR checkpoint kinase; minus strand). Cytogenetic location: 3q23.
Variant type: single nucleotide variant.
Coding change: c.4406C>T on transcript NM_001184.4 (MANE Select); coding-DNA position 4406, C replaced by T.
Protein change: p.Thr1469Ile; replaces threonine 1469 with isoleucine.
Molecular consequence: missense variant.
Genome position (GRCh38, 1-based): chr3:142,515,492, G>A on the plus strand (C>T on the coding strand, the complement: ATR is on the minus strand). VCF-style: chr3-142515492-G-A. GRCh37 (hg19) VCF-style: chr3-142234334-G-A.
Other names: c.4406C>T (NM_001184.3); c.4214C>T, p.Thr1405Ile (NM_001354579.2); short protein forms T1405I, T1469I.
Identifiers: ClinVar variation 2996630 (VCV002996630.4), dbSNP rs747880325, ClinGen allele CA2649856.
Genomic context (GRCh38, chr3:142,515,492, plus strand): 5'-TCTGCAAAGTTACTACCCAATTTACTTAAGTAAATTGGCTTCTTTACTCCAGACCAATCG[G>A]TTGACTTCTGAGAACTCTTGTATCTGTAATTTTGAAAATTTGTTTATTAAAAAGATAAAT-3'
Protein context (NP_001175.2, residues 1459-1479): NTRYKSSQKS[Thr1469Ile]DWSGVKKPIY